The following is an entry in ClinVar:

ClinVar aggregate classification (germline): Pathogenic. Review status: criteria provided, single submitter (1 of 4 stars). 2 submissions from 2 submitters: Pathogenic (1). 1 of the submissions does not count toward it. Last evaluated 2023-06-07.

Conditions:
Gastric cancer. Also called: Malignant tumor of stomach; Stomach cancer. Identifiers: MedGen C0024623, MeSH D013274, MONDO:0001056, OMIM 613659, HP:0012126.
Familial cancer of breast. Also called: Hereditary breast cancer; hereditary breast carcinoma; BREAST CANCER, FAMILIAL. Identifiers: Orphanet 227535, MedGen C0346153, MONDO:0016419, OMIM 114480. Disease mechanism: loss of function.

Submissions (2):

Myriad Genetics, Inc.
Classification: Pathogenic for Familial cancer of breast. Last evaluated: 2023-06-07. Review status: criteria provided, single submitter. Criteria: Myriad Autosomal Dominant, Autosomal Recessive and X-Linked Classification Criteria (2023). Collection method: clinical testing. Allele origin: unknown.
Comment: This variant is considered pathogenic. This variant creates a frameshift predicted to result in premature protein truncation.

Laboratory for Genotyping Development, RIKEN
Classification: Pathogenic for Gastric cancer. Last evaluated: 2021-07-01. Review status: no assertion criteria provided. Collection method: research. Allele origin: germline. Not counted in ClinVar's aggregate classification.

Literature cited by the submitters: PubMed 36988593 (cited by Laboratory for Genotyping Development, RIKEN).

NM_032043.3(BRIP1):c.2558del (p.Pro853fs)

Gene: BRIP1 (BRCA1 interacting DNA helicase 1; minus strand). Cytogenetic location: 17q23.2.
Variant type: Deletion.
Coding change: c.2558del on transcript NM_032043.3 (MANE Select); coding-DNA position 2558, one base deleted (C; older notation c.2558delC).
Protein change: p.Pro853fs; shifts the reading frame from proline 853.
Molecular consequence: frameshift variant.
Genome position (GRCh38, 1-based): chr17:61,693,447, G deleted on the plus strand (C on the coding strand, the reverse complement: BRIP1 is on the minus strand); the first of 3 consecutive G bases (chr17:61,693,447-61,693,449); deleting any one gives the same sequence. VCF-style (leftmost placement, unchanged base first): chr17-61693446-TG-T. GRCh37 (hg19) VCF-style: chr17-59770807-TG-T.
Other names: short protein forms P853fs.
Identifiers: ClinVar variation 1801658 (VCV001801658.3), dbSNP rs2144185746, ClinGen allele CA1139768846.